The following is an entry in ClinVar:

NM_002890.3(RASA1):c.2344+4T>C

Genes: CCNH (cyclin H; minus strand), RASA1 (RAS p21 protein activator 1; plus strand). Cytogenetic location: 5q14.3.
Variant type: single nucleotide variant.
Coding change: c.2344+4T>C on transcript NM_002890.3 (MANE Select); 4 bases into the intron after coding-DNA position 2344, T replaced by C.
Molecular consequence: intron variant.
Genome position (GRCh38, 1-based): chr5:87,377,044, T>C. VCF-style: chr5-87377044-T-C. GRCh37 (hg19) VCF-style: chr5-86672861-T-C.
Other names: c.1813+4T>C (NM_022650.3); c.933+18000A>G (NM_001364075.2).
Identifiers: ClinVar variation 1424875 (VCV001424875.6), dbSNP rs919731021, ClinGen allele CA121813096.
Genomic context (GRCh38, chr5:87,377,044, plus strand): 5'-AAAAGCTTGAATCGTTGTTGTTATGCACACTAAATGACAGAGAAATAAGCATGGAAGGTA[T>C]GGTATGGCCATGTTAGTGTGATACAAGAAACTGGGTTTAGATTTTATATCAAGGATATAT-3'

ClinVar aggregate classification (germline): Uncertain significance (1 of 4 stars; one submission).

Conditions:
Capillary malformation-arteriovenous malformation syndrome. Also called: Capillary malformation-arteriovenous malformation. Identifiers: Orphanet 137667, MedGen C1842180, MONDO:0012016.

Allele frequency attached by ClinVar (database versions not stated): gnomAD exomes 0.00001 and below 0.00001; TOPMed 0.00002; gnomAD 0.00003.
gnomAD v4.1: 9 of 1,612,310 alleles (0.00056%); highest among the groups gnomAD compares: African/African-American, 0.011%; no homozygotes.

Submission:

Labcorp Genetics (formerly Invitae), Labcorp
Classification: Uncertain significance for Capillary malformation-arteriovenous malformation syndrome. Last evaluated: 2026-01-19. Review status: criteria provided, single submitter. Criteria: Invitae Variant Classification Sherloc (09022015). Collection method: clinical testing. Allele origin: germline.
Comment: This sequence change falls in intron 17 of the RASA1 gene. It does not directly change the encoded amino acid sequence of the RASA1 protein. It affects a nucleotide within the consensus splice site. This variant is present in population databases (no rsID available, gnomAD 0.01%). This variant has not been reported in the literature in individuals affected with RASA1-related conditions. ClinVar contains an entry for this variant (Variation ID: 1424875). Variants that disrupt the consensus splice site are a relatively common cause of aberrant splicing (PMID: 17576681, 9536098). Algorithms developed to predict the effect of sequence changes on RNA splicing suggest that this variant is not likely to affect RNA splicing. In summary, the available evidence is currently insufficient to determine the role of this variant in disease. Therefore, it has been classified as a Variant of Uncertain Significance.

Literature cited by the submitters: PubMed 17576681; PubMed 9536098.